The following is an entry in ClinVar:

ClinVar aggregate classification (germline): Uncertain significance. Review status: criteria provided, single submitter (1 of 4 stars). 2 submissions from 2 submitters: Uncertain significance (1). 1 of the submissions does not count toward it. Last evaluated 2025-12-15.

Conditions:
NTRK2-related disorder. Also called: NTRK2-related condition.

Allele frequency attached by ClinVar (database versions not stated): ExAC 0.00001.
gnomAD v4.1: 10 of 1,614,098 alleles (0.00062%); highest among the groups gnomAD compares: Non-Finnish European, 0.00076%; no homozygotes.

Submissions (2):

Labcorp Genetics (formerly Invitae), Labcorp
Classification: Uncertain significance. Last evaluated: 2025-12-15. Review status: criteria provided, single submitter. Criteria: Invitae Variant Classification Sherloc (09022015). Collection method: clinical testing. Allele origin: germline.
Comment: This sequence change replaces methionine, which is neutral and non-polar, with threonine, which is neutral and polar, at codon 240 of the NTRK2 protein (p.Met240Thr). This variant is present in population databases (rs200807970, gnomAD 0.0009%). This variant has not been reported in the literature in individuals affected with NTRK2-related conditions. ClinVar contains an entry for this variant (Variation ID: 1930784). An algorithm developed to predict the effect of missense changes on protein structure and function (PolyPhen-2) suggests that this variant is likely to be tolerated. In summary, the available evidence is currently insufficient to determine the role of this variant in disease. Therefore, it has been classified as a Variant of Uncertain Significance.

PreventionGenetics, part of Exact Sciences
Classification: Uncertain significance for NTRK2-related condition. Last evaluated: 2024-09-17. Review status: no assertion criteria provided. Collection method: clinical testing. Allele origin: germline. Not counted in ClinVar's aggregate classification.
Comment: The NTRK2 c.719T>C variant is predicted to result in the amino acid substitution p.Met240Thr. To our knowledge, this variant has not been reported in the literature. This variant is reported in 0.00088% of alleles in individuals of European (Non-Finnish) descent in gnomAD. At this time, the clinical significance of this variant is uncertain due to the absence of conclusive functional and genetic evidence.

NM_006180.6(NTRK2):c.719T>C (p.Met240Thr)

Gene: NTRK2 (neurotrophic receptor tyrosine kinase 2; plus strand). Cytogenetic location: 9q21.33.
Variant type: single nucleotide variant.
Coding change: c.719T>C on transcript NM_006180.6 (MANE Select); coding-DNA position 719, T replaced by C.
Protein change: p.Met240Thr; replaces methionine 240 with threonine.
Molecular consequence: missense variant.
Genome position (GRCh38, 1-based): chr9:84,723,708, T>C. VCF-style: chr9-84723708-T-C. GRCh37 (hg19) VCF-style: chr9-87338623-T-C.
Other names: c.719T>C (NM_006180.4); c.719T>C, p.Met240Thr (NM_001007097.3, NM_001018064.3, NM_001018065.2 and 19 more transcripts); c.251T>C, p.Met84Thr (NM_001369535.1, NM_001369536.1, NM_001369550.1 and 2 more transcripts); short protein forms M240T, M84T.
Identifiers: ClinVar variation 1930784 (VCV001930784.6), dbSNP rs200807970, ClinGen allele CA5105557.